The following is an entry in ClinVar:

ClinVar aggregate classification (germline): Uncertain significance (1 of 4 stars; one submission).

Conditions:
Frontotemporal dementia and/or amyotrophic lateral sclerosis 1 (FTDALS1). Also called: C9orf72 Frontotemporal Dementia and/or Amyotrophic Lateral Sclerosis; Frontotemporal dementia with motor neuron disease 1. Identifiers: Orphanet 275872, MedGen C5779877, MONDO:0007105, OMIM 105550.
Paget disease of bone 2, early-onset (PDB2). Also called: Paget disease of bone 2. Identifiers: MedGen C4085251, MONDO:0011183, OMIM 602080.

Allele frequency attached by ClinVar (database versions not stated): gnomAD exomes below 0.00001; gnomAD 0.00001; TOPMed 0.00001.
gnomAD v4.1: 2 of 1,613,942 alleles (0.00012%); highest among the groups gnomAD compares: African/African-American, 0.0027%; no homozygotes.

Submission:

Labcorp Genetics (formerly Invitae), Labcorp
Classification: Uncertain significance for Paget disease of bone 2, early-onset; Frontotemporal dementia and/or amyotrophic lateral sclerosis 1. Last evaluated: 2022-05-11. Review status: criteria provided, single submitter. Criteria: Invitae Variant Classification Sherloc (09022015). Collection method: clinical testing. Allele origin: germline.
Comment: Algorithms developed to predict the effect of missense changes on protein structure and function (SIFT, PolyPhen-2, Align-GVGD) all suggest that this variant is likely to be tolerated. This variant has not been reported in the literature in individuals affected with SQSTM1-related conditions. This variant is not present in population databases (gnomAD no frequency). This sequence change replaces asparagine, which is neutral and polar, with serine, which is neutral and polar, at codon 132 of the SQSTM1 protein (p.Asn132Ser). In summary, the available evidence is currently insufficient to determine the role of this variant in disease. Therefore, it has been classified as a Variant of Uncertain Significance.

NM_003900.5(SQSTM1):c.395A>G (p.Asn132Ser)

Gene: SQSTM1 (sequestosome 1; plus strand). Cytogenetic location: 5q35.3.
Variant type: single nucleotide variant.
Coding change: c.395A>G on transcript NM_003900.5 (MANE Select); coding-DNA position 395, A replaced by G.
Protein change: p.Asn132Ser; replaces asparagine 132 with serine.
Molecular consequence: missense variant.
Genome position (GRCh38, 1-based): chr5:179,823,951, A>G. VCF-style: chr5-179823951-A-G. GRCh37 (hg19) VCF-style: chr5-179250951-A-G.
Other names: c.143A>G, p.Asn48Ser (NM_001142298.2, NM_001142299.2); short protein forms N48S, N132S.
Identifiers: ClinVar variation 2085242 (VCV002085242.4), dbSNP rs1757889724, ClinGen allele CA362443667.